The following is an entry in ClinVar:

NM_000540.3(RYR1):c.6322G>A (p.Glu2108Lys)

Gene: RYR1 (ryanodine receptor 1; plus strand). Cytogenetic location: 19q13.2.
Variant type: single nucleotide variant.
Coding change: c.6322G>A on transcript NM_000540.3 (MANE Select); coding-DNA position 6322, G replaced by A.
Protein change: p.Glu2108Lys; replaces glutamic acid 2108 with lysine.
Molecular consequence: missense variant.
Genome position (GRCh38, 1-based): chr19:38,494,399, G>A. VCF-style: chr19-38494399-G-A. GRCh37 (hg19) VCF-style: chr19-38985039-G-A.
Other names: c.6322G>A, p.Glu2108Lys (NM_001042723.2); short protein forms E2108K.
Identifiers: ClinVar variation 3385422 (VCV003385422.1).

ClinVar aggregate classification (germline): Uncertain significance (1 of 4 stars; one submission).

Conditions:
Malignant hyperthermia, susceptibility to, 1 (MHS1). Also called: Anesthesia related hyperthermia; Malignant hyperpyrexia; Fulminating hyperpyrexia; Pharmacogenic myopathy; Malignant hyperthermia suceptibility 1; RYR1-Related Malignant Hyperthermia Susceptibility. Identifiers: Orphanet 423, MedGen C2930980, MONDO:0007783, OMIM 145600.

gnomAD v4.1: 2 of 1,611,966 alleles (0.00012%); highest among the groups gnomAD compares: Non-Finnish European, 0.00017%; no homozygotes.

Submission:

All of Us Research Program, National Institutes of Health
Classification: Uncertain significance for Malignant hyperthermia, susceptibility to, 1. Last evaluated: 2024-07-29. Review status: criteria provided, single submitter. Criteria: ACMG Guidelines, 2015. Collection method: clinical testing. Allele origin: germline. Inheritance: Autosomal dominant inheritance. Observed: 1 variant allele, 1 heterozygote.
Comment: This missense variant replaces glutamic acid with lysine at codon 2108 of the RYR1 protein. Computational prediction suggests that this variant may have deleterious impact on protein structure and function (internally defined REVEL score threshold >= 0.7, PMID: 27666373). To our knowledge, functional studies have not been reported for this variant. This variant has not been reported in individuals affected with RYR1-related disorders in the literature. This variant has not been identified in the general population by the Genome Aggregation Database (gnomAD). The available evidence is insufficient to determine the role of this variant in disease conclusively. Therefore, this variant is classified as a Variant of Uncertain Significance.

This study involves interpretation of variants in research participants for the purpose of population health screening. Participant phenotype was not available at the time of variant classification. Additional details can be found in publication PMID: 35346344, PMCID: PMC8962531